The following is an entry in ClinVar:

ClinVar aggregate classification (germline): Benign. Review status: criteria provided, multiple submitters, no conflicts (2 of 4 stars). 2 submissions from 2 submitters: Benign (2). Last evaluated 2018-06-19.

Allele frequency attached by ClinVar (database versions not stated): 1000 Genomes Project 0.02716; 1000 Genomes Project 30x 0.02795; TOPMed 0.05319; gnomAD 0.06016 and 0.06198; gnomAD exomes 0.07876.
gnomAD v4.1: 96,051 of 1,262,736 alleles (7.6%); highest among the groups gnomAD compares: Non-Finnish European, 9.5%; 4,549 homozygotes.

Submissions (2):

GeneDx
Classification: Benign. Last evaluated: 2018-06-19. Review status: criteria provided, single submitter. Criteria: GeneDx Variant Classification (06012015). Collection method: clinical testing. Allele origin: germline. Affected: yes.
Comment: This variant is considered likely benign or benign based on one or more of the following criteria: it is a conservative change, it occurs at a poorly conserved position in the protein, it is predicted to be benign by multiple in silico algorithms, and/or has population frequency not consistent with disease.

Breakthrough Genomics
Classification: Benign. Review status: criteria provided, single submitter. Criteria: ACMG Guidelines, 2015. Collection method: not provided. Allele origin: germline. Inheritance: Autosomal recessive inheritance. Affected: yes.

NM_000289.6(PFKM):c.427+129T>G

Gene: PFKM (phosphofructokinase, muscle; plus strand). Cytogenetic location: 12q13.11.
Variant type: single nucleotide variant.
Coding change: c.427+129T>G on transcript NM_000289.6 (MANE Select); 129 bases into the intron after coding-DNA position 427, T replaced by G.
Molecular consequence: intron variant.
Genome position (GRCh38, 1-based): chr12:48,133,186, T>G. VCF-style: chr12-48133186-T-G. GRCh37 (hg19) VCF-style: chr12-48526969-T-G.
Other names: c.451+129T>G (NM_001354741.2); c.427+129T>G (NM_001354742.2, NM_001354743.2, NM_001354744.2 and 4 more transcripts); c.277+129T>G (NM_001354747.2, NM_001354748.2); c.640+129T>G (NM_001166686.2, NM_001354737.1, NM_001354739.1 and 1 more transcripts); c.736+129T>G (NM_001354736.1, NM_001354735.1); c.571+129T>G (NM_001354740.1); c.340+129T>G (NM_001354745.2).
Identifiers: ClinVar variation 676323 (VCV000676323.2), dbSNP rs55682541, ClinGen allele CA236510122.
Genomic context (GRCh38, chr12:48,133,186, plus strand): 5'-GCCCCCGCCCTGCTTTTACCTCCCATTGGAGAAAAATGTTACCCAGACACAAATAGGCAG[T>G]CTTTGCCCTCCTTTTTCTGGTATTGTCTACAATTCCTTTTGGCTAGAGTTTCTCTCTCTC-3'